The following is an entry in ClinVar:

NM_133642.5(LARGE1):c.2234C>A (p.Ala745Asp)

Gene: LARGE1 (LARGE xylosyl- and glucuronyltransferase 1; minus strand). Cytogenetic location: 22q12.3.
Variant type: single nucleotide variant.
Coding change: c.2234C>A on transcript NM_133642.5 (MANE Select); coding-DNA position 2234, C replaced by A.
Protein change: p.Ala745Asp; replaces alanine 745 with aspartic acid.
Molecular consequence: missense variant.
Genome position (GRCh38, 1-based): chr22:33,274,464, G>T on the plus strand (C>A on the coding strand, the complement: LARGE1 is on the minus strand). VCF-style: chr22-33274464-G-T. GRCh37 (hg19) VCF-style: chr22-33670450-G-T.
Other names: c.2234C>A, p.Ala745Asp (NM_001362949.2, NM_001362951.2, NM_001362953.2 and 4 more transcripts); c.2087C>A, p.Ala696Asp (NM_001378627.1, NM_001378628.1); c.2078C>A, p.Ala693Asp (NM_001378629.1); c.1631C>A, p.Ala544Asp (NM_001378630.1); c.1328C>A, p.Ala443Asp (NM_001378631.1); short protein forms A443D, A544D, A693D, A696D, A745D.
Identifiers: ClinVar variation 1056498 (VCV001056498.6), dbSNP rs1254409268, ClinGen allele CA411542256.

ClinVar aggregate classification (germline): Uncertain significance (1 of 4 stars; one submission).

Conditions:
Muscular dystrophy-dystroglycanopathy type B6 (MDDGB6). Also called: MUSCULAR DYSTROPHY, CONGENITAL, LARGE-RELATED; MUSCULAR DYSTROPHY, CONGENITAL, TYPE 1D; MUSCULAR DYSTROPHY-DYSTROGLYCANOPATHY (CONGENITAL WITH IMPAIRED INTELLECTUAL DEVELOPMENT), TYPE B, 6. Identifiers: MedGen C1837229, MONDO:0012138, OMIM 608840.

Allele frequency attached by ClinVar (database versions not stated): TOPMed below 0.00001; gnomAD 0.00001.
gnomAD v4.1: 1 of 1,614,076 alleles (0.000062%); highest among the groups gnomAD compares: Non-Finnish European, 0.000085%; no homozygotes.

Submission:

Labcorp Genetics (formerly Invitae), Labcorp
Classification: Uncertain significance for Muscular dystrophy-dystroglycanopathy type B6. Last evaluated: 2021-08-27. Review status: criteria provided, single submitter. Criteria: Invitae Variant Classification Sherloc (09022015). Collection method: clinical testing. Allele origin: germline.
Comment: This sequence change replaces alanine with aspartic acid at codon 745 of the LARGE1 protein (p.Ala745Asp). The alanine residue is moderately conserved and there is a moderate physicochemical difference between alanine and aspartic acid. This variant is not present in population databases (ExAC no frequency). This variant has not been reported in the literature in individuals affected with LARGE1-related conditions. Algorithms developed to predict the effect of missense changes on protein structure and function are either unavailable or do not agree on the potential impact of this missense change (SIFT: "Tolerated"; PolyPhen-2: "Possibly Damaging"; Align-GVGD: "Class C0"). In summary, the available evidence is currently insufficient to determine the role of this variant in disease. Therefore, it has been classified as a Variant of Uncertain Significance.